The following is an entry in ClinVar:

ClinVar aggregate classification (germline): Uncertain significance (1 of 4 stars; one submission).

Conditions:
Dextro-looped transposition of the great arteries. Also called: Dextrotransposition of the great arteries. Identifiers: Orphanet 860, MedGen C3531771, MONDO:0019443, OMIM 608808, HP:0031348.

Submission:

Labcorp Genetics (formerly Invitae), Labcorp
Classification: Uncertain significance for Dextro-looped transposition of the great arteries. Last evaluated: 2024-12-02. Review status: criteria provided, single submitter. Criteria: Invitae Variant Classification Sherloc (09022015). Collection method: clinical testing. Allele origin: germline.
Comment: This sequence change replaces leucine, which is neutral and non-polar, with serine, which is neutral and polar, at codon 517 of the MED13L protein (p.Leu517Ser). This variant is not present in population databases (gnomAD no frequency). This variant has not been reported in the literature in individuals affected with MED13L-related conditions. Invitae Evidence Modeling of protein sequence and biophysical properties (such as structural, functional, and spatial information, amino acid conservation, physicochemical variation, residue mobility, and thermodynamic stability) indicates that this missense variant is not expected to disrupt MED13L protein function with a negative predictive value of 80%. In summary, the available evidence is currently insufficient to determine the role of this variant in disease. Therefore, it has been classified as a Variant of Uncertain Significance.

NM_015335.5(MED13L):c.1550T>C (p.Leu517Ser)

Gene: MED13L (mediator complex subunit 13L; minus strand). Cytogenetic location: 12q24.21.
Variant type: single nucleotide variant.
Coding change: c.1550T>C on transcript NM_015335.5 (MANE Select); coding-DNA position 1550, T replaced by C.
Protein change: p.Leu517Ser; replaces leucine 517 with serine.
Molecular consequence: missense variant.
Genome position (GRCh38, 1-based): chr12:116,008,863, A>G on the plus strand (T>C on the coding strand, the complement: MED13L is on the minus strand). VCF-style: chr12-116008863-A-G. GRCh37 (hg19) VCF-style: chr12-116446668-A-G.
Other names: short protein forms L517S.
Identifiers: ClinVar variation 3716937 (VCV003716937.2).